The following is an entry in ClinVar:

ClinVar aggregate classification (germline): Uncertain significance (1 of 4 stars; one submission).

Conditions:
Beckwith-Wiedemann syndrome (BWS). Also called: EMG SYNDROME; Exomphalos macroglossia gigantism syndrome. Identifiers: Orphanet 116, MedGen C0004903, MONDO:0007534, OMIM 130650.

Submission:

Labcorp Genetics (formerly Invitae), Labcorp
Classification: Uncertain significance for Beckwith-Wiedemann syndrome. Last evaluated: 2023-11-19. Review status: criteria provided, single submitter. Criteria: Invitae Variant Classification Sherloc (09022015). Collection method: clinical testing. Allele origin: unknown.
Comment: A copy number gain of the genomic region encompassing the full coding sequence of the CDKN1C gene has been identified. The boundaries of this event are unknown as they extend beyond the assayed region for this gene and therefore may encompass additional genes. As the precise location of this event is unknown, it may be in tandem or it may be located elsewhere in the genome. Isolated whole-gene copy number gains of CDKN1C have not been reported in the literature. However, larger copy number events that include this gene have been reported (PMID: 21910219, 25427884). In summary, the available evidence is currently insufficient to determine the role of this variant in disease. Therefore, it has been classified as a Variant of Uncertain Significance.

Literature cited by the submitters: PubMed 21910219; PubMed 25427884.

NC_000011.9:g.(?_216698)_(2906719_?)dup

Genes: ANO9 (anoctamin 9; minus strand), AP2A2 (adaptor related protein complex 2 subunit alpha 2; plus strand), ASCL2 (achaete-scute family bHLH transcription factor 2; minus strand), B4GALNT4 (beta-1,4-N-acetyl-galactosaminyltransferase 4; plus strand), BRSK2 (BR serine/threonine kinase 2; plus strand) and 74 more. Cytogenetic location: 11p15.5-15.4.
Variant type: Duplication.
Identifiers: ClinVar variation 3244518 (VCV003244518.1).